The following is an entry in ClinVar:

ClinVar aggregate classification (germline): Uncertain significance (1 of 4 stars; one submission).

Conditions:
Arrhythmogenic right ventricular dysplasia 8 (ARVD8). Also called: Arrhythmogenic Right Ventricular Dysplasia/Cardiomyopathy 8; ARRHYTHMOGENIC RIGHT VENTRICULAR DYSPLASIA, FAMILIAL, 8; ARRHYTHMOGENIC RIGHT VENTRICULAR CARDIOMYOPATHY 8. Identifiers: MedGen C1843896, MONDO:0011831, OMIM 607450.
Arrhythmogenic cardiomyopathy with wooly hair and keratoderma. Also called: PALMOPLANTAR KERATODERMA WITH LEFT VENTRICULAR CARDIOMYOPATHY AND WOOLLY HAIR; Arrhythmogenic cardiomyopathy with woolly hair and keratoderma; Carvajal syndrome; Dilated cardiomyopathy with woolly hair and keratoderma. Identifiers: Orphanet 65282, MedGen C1854063, MONDO:0011581, OMIM 605676.

gnomAD v4.1: 8 of 1,613,494 alleles (0.0005%); highest among the groups gnomAD compares: Non-Finnish European, 0.00068%; no homozygotes.

Submission:

Labcorp Genetics (formerly Invitae), Labcorp
Classification: Uncertain significance for Arrhythmogenic cardiomyopathy with wooly hair and keratoderma; Arrhythmogenic right ventricular dysplasia 8. Last evaluated: 2025-05-18. Review status: criteria provided, single submitter. Criteria: Invitae Variant Classification Sherloc (09022015). Collection method: clinical testing. Allele origin: germline.
Comment: This sequence change replaces leucine, which is neutral and non-polar, with valine, which is neutral and non-polar, at codon 1178 of the DSP protein (p.Leu1178Val). This variant is not present in population databases (gnomAD no frequency). This missense change has been observed in individual(s) with arrhythmogenic right ventricular cardiomyopathy (PMID: 21606390, 28527814). An algorithm developed to predict the effect of missense changes on protein structure and function (PolyPhen-2) suggests that this variant is likely to be disruptive. In summary, the available evidence is currently insufficient to determine the role of this variant in disease. Therefore, it has been classified as a Variant of Uncertain Significance.

Literature cited by the submitters: PubMed 21606390; PubMed 28527814.

NM_004415.4(DSP):c.3532C>G (p.Leu1178Val)

Gene: DSP (desmoplakin; plus strand). Cytogenetic location: 6p24.3.
Variant type: single nucleotide variant.
Coding change: c.3532C>G on transcript NM_004415.4 (MANE Select); coding-DNA position 3532, C replaced by G.
Protein change: p.Leu1178Val; replaces leucine 1178 with valine.
Molecular consequence: missense variant.
Genome position (GRCh38, 1-based): chr6:7,579,722, C>G. VCF-style: chr6-7579722-C-G. GRCh37 (hg19) VCF-style: chr6-7579955-C-G.
Other names: c.3532C>G, p.Leu1178Val (NM_001008844.3, NM_001319034.2); short protein forms L1178V.
Identifiers: ClinVar variation 4783638 (VCV004783638.1).
Genomic context (GRCh38, chr6:7,579,722, plus strand): 5'-TTAGAGTCTGAGAAAGCCATCAAGGAGAAGGAGTACGAGATTGAAAGGTTGAGGGTTCTA[C>G]TGCAGGAAGAAGGCACCCGGAAGAGAGAATATGAAAATGAGCTGGCAAAGGTAAGAAACC-3'
Protein context (NP_004406.2, residues 1168-1188): EYEIERLRVL[Leu1178Val]QEEGTRKREY